The following is an entry in ClinVar:

NM_005045.4(RELN):c.9560G>A (p.Ser3187Asn)

Genes: RELN (reelin; minus strand), SLC26A5-AS1 (SLC26A5 antisense RNA 1; plus strand), LOC126860130 (BRD4-independent group 4 enhancer GRCh37_chr7:103130126-103131325; plus strand). Cytogenetic location: 7q22.1.
Variant type: single nucleotide variant.
Coding change: c.9560G>A on transcript NM_005045.4 (MANE Select); coding-DNA position 9560, G replaced by A.
Protein change: p.Ser3187Asn; replaces serine 3187 with asparagine.
Molecular consequence: missense variant.
Genome position (GRCh38, 1-based): chr7:103,490,713, C>T on the plus strand (G>A on the coding strand, the complement: RELN is on the minus strand). VCF-style: chr7-103490713-C-T. GRCh37 (hg19) VCF-style: chr7-103131160-C-T.
Other names: c.9560G>A, p.Ser3187Asn (NM_173054.3); short protein forms S3187N.
Identifiers: ClinVar variation 452441 (VCV000452441.2), dbSNP rs754242931, ClinGen allele CA4420189.
Genomic context (GRCh38, chr7:103,490,713, plus strand): 5'-TAATTTGCAACCTACCTAGAGGAGACATGGTCAGGCAGCTGGATGGTGATTCTTTTCCAG[C>T]TTGAGCTGTTGACAGAGTTGTAGATGGTGGCTTCATGGAACTGGAAAGGGGAGCAGCCAA-3'
Protein context (NP_005036.2, residues 3177-3197): ATIYNSVNSS[Ser3187Asn]WKRITIQLPD

ClinVar aggregate classification (germline): Uncertain significance (1 of 4 stars; one submission).

Allele frequency attached by ClinVar (database versions not stated): TOPMed below 0.00001; gnomAD 0.00001; gnomAD exomes 0.00001 and 0.00002; ExAC 0.00002.
gnomAD v4.1: 15 of 1,614,020 alleles (0.00093%); highest among the groups gnomAD compares: South Asian, 0.013%; no homozygotes.

Submission:

GeneDx
Classification: Uncertain significance. Last evaluated: 2017-10-12. Review status: criteria provided, single submitter. Criteria: GeneDx Variant Classification (06012015). Collection method: clinical testing. Allele origin: germline. Affected: yes.
Comment: The S3187N variant has not been published as a pathogenic variant, nor has it been reported as a benign variant to our knowledge. The S3187N variant is not observed at a significant frequency in large population cohorts (Lek et al., 2016). This substitution occurs at a position that is conserved in mammals. However, the S3187N variant is a conservative amino acid substitution, which is not likely to impact secondary protein structure as these residues share similar properties. In silico analysis is inconsistent in its predictions as to whether or not the variant is damaging to the protein structure/function. Therefore, based on the currently available information, it is unclear whether this variant is a pathogenic variant or a rare benign variant.